The following is an entry in ClinVar:

NC_000022.11:g.(?_28709996)_(28712027_?)dup

Gene: CHEK2 (checkpoint kinase 2; minus strand). Cytogenetic location: 22q12.1.
Variant type: Duplication.
Identifiers: ClinVar variation 830692 (VCV000830692.7).

ClinVar aggregate classification (germline): Likely pathogenic (1 of 4 stars; one submission).

Conditions:
Familial cancer of breast. Also called: BREAST CANCER, FAMILIAL; Hereditary breast cancer; hereditary breast carcinoma. Identifiers: Orphanet 227535, MedGen C0346153, MONDO:0016419, OMIM 114480. Disease mechanism: loss of function.

Submission:

Labcorp Genetics (formerly Invitae), Labcorp
Classification: Likely pathogenic for Familial cancer of breast. Last evaluated: 2023-12-08. Review status: criteria provided, single submitter. Criteria: Invitae Variant Classification Sherloc (09022015). Collection method: clinical testing. Allele origin: germline.
Comment: This variant results in a copy number gain of the genomic region encompassing exon(s) 6-7 of the CHEK2 gene. While the exact position of this variant cannot be determined from the data, sub-genic copy number gains are generally in tandem (PMID: 25640679). This variant is predicted to be out-of-frame, and may result in an absent or disrupted protein product. Loss-of-function variants in CHEK2 are known to be pathogenic (PMID: 21876083, 24713400). This variant has not been reported in the literature in individuals affected with CHEK2-related conditions. In summary, the currently available evidence indicates that the variant is pathogenic, but additional data are needed to prove that conclusively. Therefore, this variant has been classified as Likely Pathogenic.

Literature cited by the submitters: PubMed 25640679; PubMed 21876083; PubMed 24713400.